The following is an entry in ClinVar:

NM_004036.5(ADCY3):c.90C>T (p.Arg30=)

Gene: ADCY3 (adenylate cyclase 3; minus strand). Cytogenetic location: 2p23.3.
Variant type: single nucleotide variant.
Coding change: c.90C>T on transcript NM_004036.5 (MANE Select); coding-DNA position 90, C replaced by T.
Protein change: p.Arg30=; no amino-acid change (arginine 30 retained).
Molecular consequence: synonymous variant.
Genome position (GRCh38, 1-based): chr2:24,918,898, G>A on the plus strand (C>T on the coding strand, the complement: ADCY3 is on the minus strand). VCF-style: chr2-24918898-G-A. GRCh37 (hg19) VCF-style: chr2-25141767-G-A.
Other names: c.90C>T (NM_001320613.1); c.90C>T, p.Arg30= (NM_001320613.2, NM_001377128.1, NM_001377129.1 and 2 more transcripts).
Identifiers: ClinVar variation 2723077 (VCV002723077.5), dbSNP rs373938367, ClinGen allele CA1554580.

ClinVar aggregate classification (germline): Likely benign. Review status: criteria provided, single submitter (1 of 4 stars). 2 submissions from 2 submitters: Likely benign (1). 1 of the submissions does not count toward it. Last evaluated 2025-12-15.

Conditions:
ADCY3-related disorder. Also called: ADCY3-related condition.

Allele frequency attached by ClinVar (database versions not stated): ExAC 0.00005; ESP Exome Variant Server 0.00023; gnomAD 0.00025; gnomAD exomes 0.00002; TOPMed 0.00026; 1000 Genomes Project 30x 0.00016; 1000 Genomes Project 0.00020.
gnomAD v4.1: 60 of 1,612,920 alleles (0.0037%); highest among the groups gnomAD compares: African/African-American, 0.077%; no homozygotes.

Submissions (2):

Labcorp Genetics (formerly Invitae), Labcorp
Classification: Likely benign. Last evaluated: 2025-12-15. Review status: criteria provided, single submitter. Criteria: Invitae Variant Classification Sherloc (09022015). Collection method: clinical testing. Allele origin: germline.

PreventionGenetics, part of Exact Sciences
Classification: Likely benign for ADCY3-related condition. Last evaluated: 2019-09-23. Review status: no assertion criteria provided. Collection method: clinical testing. Allele origin: germline. Not counted in ClinVar's aggregate classification.
Comment: This variant is classified as likely benign based on ACMG/AMP sequence variant interpretation guidelines (Richards et al. 2015 PMID: 25741868, with internal and published modifications).